The following is an entry in ClinVar:

NM_001256071.3(RNF213):c.9505C>A (p.Leu3169Met)

Gene: RNF213 (ring finger protein 213; plus strand). Cytogenetic location: 17q25.3.
Variant type: single nucleotide variant.
Coding change: c.9505C>A on transcript NM_001256071.3 (MANE Select); coding-DNA position 9505, C replaced by A.
Protein change: p.Leu3169Met; replaces leucine 3169 with methionine.
Molecular consequence: missense variant.
Genome position (GRCh38, 1-based): chr17:80,347,840, C>A. VCF-style: chr17-80347840-C-A. GRCh37 (hg19) VCF-style: chr17-78321640-C-A.
Other names: c.9652C>A, p.Leu3218Met (NM_001410195.1, NM_020914.5); short protein forms L3169M, L3218M.
Identifiers: ClinVar variation 4704073 (VCV004704073.1).

ClinVar aggregate classification (germline): Uncertain significance (1 of 4 stars; one submission).

Submission:

Labcorp Genetics (formerly Invitae), Labcorp
Classification: Uncertain significance. Last evaluated: 2026-01-06. Review status: criteria provided, single submitter. Criteria: Invitae Variant Classification Sherloc (09022015). Collection method: clinical testing. Allele origin: germline.
Comment: This sequence change replaces leucine, which is neutral and non-polar, with methionine, which is neutral and non-polar, at codon 3169 of the RNF213 protein (p.Leu3169Met). This variant is not present in population databases (gnomAD no frequency). This variant has not been reported in the literature in individuals affected with RNF213-related conditions. Invitae Evidence Modeling of protein sequence and biophysical properties (such as structural, functional, and spatial information, amino acid conservation, physicochemical variation, residue mobility, and thermodynamic stability) indicates that this missense variant is not expected to disrupt RNF213 protein function with a negative predictive value of 95%. In summary, the available evidence is currently insufficient to determine the role of this variant in disease. Therefore, it has been classified as a Variant of Uncertain Significance.